The following is an entry in ClinVar:

ClinVar aggregate classification (germline): Uncertain significance. Review status: criteria provided, multiple submitters, no conflicts (2 of 4 stars). 2 submissions from 2 submitters: Uncertain significance (2). Last evaluated 2023-08-17.

Allele frequency attached by ClinVar (database versions not stated): gnomAD exomes below 0.00001 and 0.00001; gnomAD 0.00001; TOPMed 0.00002.
gnomAD v4.1: 3 of 1,207,182 alleles (0.00025%); highest among the groups gnomAD compares: Admixed American, 0.0066%; no homozygotes.

Submissions (2):

Labcorp Genetics (formerly Invitae), Labcorp
Classification: Uncertain significance. Last evaluated: 2023-08-17. Review status: criteria provided, single submitter. Criteria: Invitae Variant Classification Sherloc (09022015). Collection method: clinical testing. Allele origin: germline.
Comment: This sequence change replaces serine, which is neutral and polar, with threonine, which is neutral and polar, at codon 1308 of the CACNA1F protein (p.Ser1308Thr). This variant is present in population databases (no rsID available, gnomAD 0.004%). This variant has not been reported in the literature in individuals affected with CACNA1F-related conditions. ClinVar contains an entry for this variant (Variation ID: 1522694). Advanced modeling of protein sequence and biophysical properties (such as structural, functional, and spatial information, amino acid conservation, physicochemical variation, residue mobility, and thermodynamic stability) performed at Invitae indicates that this missense variant is not expected to disrupt CACNA1F protein function. In summary, the available evidence is currently insufficient to determine the role of this variant in disease. Therefore, it has been classified as a Variant of Uncertain Significance.

Blueprint Genetics
Classification: Uncertain significance. Last evaluated: 2019-10-17. Review status: criteria provided, single submitter. Criteria: ACMG Guidelines, 2015. Collection method: clinical testing. Allele origin: germline.

NM_001256789.3(CACNA1F):c.3890G>C (p.Ser1297Thr)

Gene: CACNA1F (calcium voltage-gated channel subunit alpha1 F; minus strand). Cytogenetic location: Xp11.23.
Variant type: single nucleotide variant.
Coding change: c.3890G>C on transcript NM_001256789.3 (MANE Select); coding-DNA position 3890, G replaced by C.
Protein change: p.Ser1297Thr; replaces serine 1297 with threonine.
Molecular consequence: missense variant.
Genome position (GRCh38, 1-based): chrX:49,212,719, C>G on the plus strand (G>C on the coding strand, the complement: CACNA1F is on the minus strand). VCF-style: chrX-49212719-C-G. GRCh37 (hg19) VCF-style: chrX-49069179-C-G.
Other names: c.3728G>C, p.Ser1243Thr (NM_001256790.3); c.3923G>C, p.Ser1308Thr (NM_005183.4); short protein forms S1297T, S1243T, S1308T.
Identifiers: ClinVar variation 1522694 (VCV001522694.9), dbSNP rs1189917731, ClinGen allele CA412962324.